The following is an entry in ClinVar:

NM_005896.4(IDH1):c.937A>T (p.Thr313Ser)

Gene: IDH1 (isocitrate dehydrogenase (NADP(+)) 1; minus strand). Cytogenetic location: 2q34.
Variant type: single nucleotide variant.
Coding change: c.937A>T on transcript NM_005896.4 (MANE Select); coding-DNA position 937, A replaced by T.
Protein change: p.Thr313Ser; replaces threonine 313 with serine.
Molecular consequence: missense variant.
Genome position (GRCh38, 1-based): chr2:208,239,917, T>A on the plus strand (A>T on the coding strand, the complement: IDH1 is on the minus strand). VCF-style: chr2-208239917-T-A. GRCh37 (hg19) VCF-style: chr2-209104641-T-A.
Other names: c.937A>T, p.Thr313Ser (NM_001282386.1, NM_001282387.1); short protein forms T313S.
Identifiers: ClinVar variation 2453230 (VCV002453230.2), dbSNP rs2469016174, ClinGen allele CA350095173.
Genomic context (GRCh38, chr2:208,239,917, plus strand): 5'-TCTTACCAATGGGATTGGTGGACGTCTCCTGTCCTTTCTGGTACATGCGGTAGTGACGGG[T>A]TACAGTCCCGTGGGCAGCCTCTGCTTCTACTGTCTTGCCATCTGGACAAACCAGCACGCT-3'
Protein context (NP_005887.2, residues 303-323): VEAEAAHGTV[Thr313Ser]RHYRMYQKGQ

ClinVar aggregate classification (germline): Uncertain significance (1 of 4 stars; one submission).

Submission:

Ambry Genetics
Classification: Uncertain significance. Last evaluated: 2023-01-05. Review status: criteria provided, single submitter. Criteria: Ambry Variant Classification Scheme 2023. Collection method: clinical testing. Allele origin: germline.
Comment: The p.T313S variant (also known as c.937A>T), located in coding exon 6 of the IDH1 gene, results from an A to T substitution at nucleotide position 937. The threonine at codon 313 is replaced by serine, an amino acid with similar properties. This amino acid position is conserved. In addition, the in silico prediction for this alteration is inconclusive. Since supporting evidence is limited at this time, the clinical significance of this alteration remains unclear.